The following is an entry in ClinVar:

ClinVar aggregate classification (germline): Uncertain significance (1 of 4 stars; one submission).

Allele frequency attached by ClinVar (database versions not stated): gnomAD exomes 0.00001; ExAC 0.00002.
gnomAD v4.1: 9 of 1,614,084 alleles (0.00056%); highest among the groups gnomAD compares: Admixed American, 0.005%; no homozygotes.

Submission:

Labcorp Genetics (formerly Invitae), Labcorp
Classification: Uncertain significance. Last evaluated: 2022-04-29. Review status: criteria provided, single submitter. Criteria: Invitae Variant Classification Sherloc (09022015). Collection method: clinical testing. Allele origin: germline.
Comment: This variant is present in population databases (rs760118936, gnomAD 0.006%). This sequence change replaces asparagine, which is neutral and polar, with serine, which is neutral and polar, at codon 194 of the TRPM1 protein (p.Asn194Ser). This variant has not been reported in the literature in individuals affected with TRPM1-related conditions. In summary, the available evidence is currently insufficient to determine the role of this variant in disease. Therefore, it has been classified as a Variant of Uncertain Significance. Algorithms developed to predict the effect of missense changes on protein structure and function are either unavailable or do not agree on the potential impact of this missense change (SIFT: "Tolerated"; PolyPhen-2: "Probably Damaging"; Align-GVGD: "Class C0").

NM_001252024.2(TRPM1):c.647A>G (p.Asn216Ser)

Gene: TRPM1 (transient receptor potential cation channel subfamily M member 1; minus strand). Cytogenetic location: 15q13.3.
Variant type: single nucleotide variant.
Coding change: c.647A>G on transcript NM_001252024.2 (MANE Select); coding-DNA position 647, A replaced by G.
Protein change: p.Asn216Ser; replaces asparagine 216 with serine.
Molecular consequence: missense variant.
Genome position (GRCh38, 1-based): chr15:31,066,219, T>C on the plus strand (A>G on the coding strand, the complement: TRPM1 is on the minus strand). VCF-style: chr15-31066219-T-C. GRCh37 (hg19) VCF-style: chr15-31358422-T-C.
Other names: c.698A>G, p.Asn233Ser (NM_001252020.2); c.581A>G, p.Asn194Ser (NM_002420.6); short protein forms N194S, N233S, N216S.
Identifiers: ClinVar variation 1958628 (VCV001958628.5), dbSNP rs760118936, ClinGen allele CA7452872.